The following is an entry in ClinVar:

ClinVar aggregate classification (germline): Conflicting classifications of pathogenicity. Review status: criteria provided, conflicting classifications (1 of 4 stars). 7 submissions from 7 submitters: Uncertain significance (2); Likely benign (3). 2 of the submissions do not count toward it. Last evaluated 2025-12-29.

Conditions:
MLH3-related disorder. Also called: MLH3-related condition.
Colorectal cancer, hereditary nonpolyposis, type 7. Identifiers: Orphanet 144, MedGen C1858380, MONDO:0013725, OMIM 614385.

Allele frequency attached by ClinVar (database versions not stated): gnomAD 0.00016; TOPMed 0.00041; ESP Exome Variant Server 0.00092.
gnomAD v4.1: 733 of 1,613,242 alleles (0.045%); highest among the groups gnomAD compares: Middle Eastern, 0.18%; 4 homozygotes.

Submissions (7):

Center for Genomic Medicine, Rigshospitalet, Copenhagen University Hospital
Classification: Uncertain significance. Last evaluated: 2025-12-29. Review status: criteria provided, single submitter. Criteria: ACMG Guidelines, 2015. Collection method: clinical testing. Allele origin: germline.

Labcorp Genetics (formerly Invitae), Labcorp
Classification: Likely benign for Colorectal cancer, hereditary nonpolyposis, type 7. Last evaluated: 2025-12-20. Review status: criteria provided, single submitter. Criteria: Invitae Variant Classification Sherloc (09022015). Collection method: clinical testing. Allele origin: germline.

Blueprint Genetics
Classification: Likely benign. Last evaluated: 2024-11-18. Review status: criteria provided, single submitter. Criteria: ACMG Guidelines, 2015. Collection method: clinical testing. Allele origin: germline.

Ambry Genetics
Classification: Likely benign. Last evaluated: 2020-06-25. Review status: criteria provided, single submitter. Criteria: Ambry Variant Classification Scheme 2023. Collection method: clinical testing. Allele origin: germline.

Illumina Laboratory Services, Illumina
Classification: Uncertain significance for Colorectal cancer, hereditary nonpolyposis, type 7. Last evaluated: 2018-01-13. Review status: criteria provided, single submitter. Criteria: ICSL Variant Classification Criteria 13 December 2019. Collection method: clinical testing. Allele origin: germline.

PreventionGenetics, part of Exact Sciences
Classification: Benign for MLH3-related condition. Last evaluated: 2024-06-14. Review status: no assertion criteria provided. Collection method: clinical testing. Allele origin: germline. Not counted in ClinVar's aggregate classification.
Comment: This variant is classified as benign based on ACMG/AMP sequence variant interpretation guidelines (Richards et al. 2015 PMID: 25741868, with internal and published modifications).

Department of Pathology and Laboratory Medicine, Sinai Health System
Classification: Likely benign. Review status: no assertion criteria provided. Collection method: clinical testing. Allele origin: unknown. Affected: yes. Study: The Canadian Open Genetics Repository (COGR). Not counted in ClinVar's aggregate classification.
Comment: The MLH3 p.Tyr238Ser variant was not identified in the literature nor was it identified in Cosmic or LOVD 3.0. The variant was identified in dbSNP (ID: rs144707485) and in ClinVar (classified as uncertain significance by Illumina Clinical Services Laboratory for Lynch syndrome and likely benign by Invitae for MLH3-Related Lynch syndrome). The variant was identified in control databases in 209 of 281376 chromosomes (3 homozygous) at a frequency of 0.000743 increasing the likelihood this could be a low frequency benign variant (Genome Aggregation Database Feb 27, 2017). The variant was observed in the following populations: Ashkenazi Jewish in 154 of 10324 chromosomes (freq: 0.01492), Other in 14 of 7150 chromosomes (freq: 0.001958), Latino in 11 of 35232 chromosomes (freq: 0.000312), European (non-Finnish) in 26 of 128544 chromosomes (freq: 0.000202), South Asian in 3 of 30418 chromosomes (freq: 0.000099), African in 1 of 24738 chromosomes (freq: 0.00004), but was not observed in the East Asian or European (Finnish) populations. Although the p.Tyr238 residue is not conserved in mammals and other organisms, computational analyses (PolyPhen-2, SIFT, AlignGVGD, BLOSUM, MutationTaster) suggest that the variant may impact the protein. The variant occurs outside of the splicing consensus sequence and in silico or computational prediction software programs (SpliceSiteFinder, MaxEntScan, NNSPLICE, GeneSplicer) do not predict a difference in splicing. In summary, based on the above information the clinical significance of this variant cannot be determined with certainty at this time although we would lean towards a more benign role for this variant. This variant is classified as likely benign.

NM_001040108.2(MLH3):c.713A>C (p.Tyr238Ser)

Gene: MLH3 (mutL homolog 3; minus strand). Cytogenetic location: 14q24.3.
Variant type: single nucleotide variant.
Coding change: c.713A>C on transcript NM_001040108.2 (MANE Select); coding-DNA position 713, A replaced by C.
Protein change: p.Tyr238Ser; replaces tyrosine 238 with serine.
Molecular consequence: missense variant.
Genome position (GRCh38, 1-based): chr14:75,048,943, T>G on the plus strand (A>C on the coding strand, the complement: MLH3 is on the minus strand). VCF-style: chr14-75048943-T-G. GRCh37 (hg19) VCF-style: chr14-75515646-T-G.
Other names: c.713A>C, p.Tyr238Ser (NM_014381.3); short protein forms Y238S.
Identifiers: ClinVar variation 238252 (VCV000238252.30), dbSNP rs144707485, ClinGen allele CA7275979.